The following is an entry in ClinVar:

ClinVar aggregate classification (germline): Uncertain significance (1 of 4 stars; one submission).

Conditions:
Chédiak-Higashi syndrome (CHS). Also called: Chediak-Higashi Syndrome. Identifiers: Orphanet 167, MedGen C0007965, MONDO:0008963, OMIM 214500.

Allele frequency attached by ClinVar (database versions not stated): gnomAD exomes below 0.00001; ExAC 0.00001; TOPMed 0.00001.
gnomAD v4.1: 5 of 1,613,742 alleles (0.00031%); highest among the groups gnomAD compares: Non-Finnish European, 0.00042%; no homozygotes.

Submission:

Labcorp Genetics (formerly Invitae), Labcorp
Classification: Uncertain significance for Chédiak-Higashi syndrome. Last evaluated: 2022-02-03. Review status: criteria provided, single submitter. Criteria: Invitae Variant Classification Sherloc (09022015). Collection method: clinical testing. Allele origin: germline.
Comment: This sequence change replaces glutamic acid, which is acidic and polar, with lysine, which is basic and polar, at codon 1087 of the LYST protein (p.Glu1087Lys). This variant is present in population databases (rs750986055, gnomAD 0.0009%). This variant has not been reported in the literature in individuals affected with LYST-related conditions. Algorithms developed to predict the effect of missense changes on protein structure and function output the following: SIFT: "Tolerated"; PolyPhen-2: "Benign"; Align-GVGD: "Class C0". The lysine amino acid residue is found in multiple mammalian species, which suggests that this missense change does not adversely affect protein function. In summary, the available evidence is currently insufficient to determine the role of this variant in disease. Therefore, it has been classified as a Variant of Uncertain Significance.

NM_000081.4(LYST):c.3259G>A (p.Glu1087Lys)

Gene: LYST (lysosomal trafficking regulator; minus strand). Cytogenetic location: 1q42.3.
Variant type: single nucleotide variant.
Coding change: c.3259G>A on transcript NM_000081.4 (MANE Select); coding-DNA position 3259, G replaced by A.
Protein change: p.Glu1087Lys; replaces glutamic acid 1087 with lysine.
Molecular consequence: missense variant.
Genome position (GRCh38, 1-based): chr1:235,805,877, C>T on the plus strand (G>A on the coding strand, the complement: LYST is on the minus strand). VCF-style: chr1-235805877-C-T. GRCh37 (hg19) VCF-style: chr1-235969177-C-T.
Other names: c.3259G>A, p.Glu1087Lys (NM_001301365.1); short protein forms E1087K.
Identifiers: ClinVar variation 2092370 (VCV002092370.1), dbSNP rs750986055, ClinGen allele CA1467112.